The following is an entry in ClinVar:

NM_001171.6(ABCC6):c.2782G>A (p.Gly928Ser)

Gene: ABCC6 (ATP binding cassette subfamily C member 6; minus strand). Cytogenetic location: 16p13.11.
Variant type: single nucleotide variant.
Coding change: c.2782G>A on transcript NM_001171.6 (MANE Select); coding-DNA position 2782, G replaced by A.
Protein change: p.Gly928Ser; replaces glycine 928 with serine.
Molecular consequence: missense variant. On other transcripts: non-coding transcript variant (1).
Genome position (GRCh38, 1-based): chr16:16,173,289, C>T on the plus strand (G>A on the coding strand, the complement: ABCC6 is on the minus strand). VCF-style: chr16-16173289-C-T. GRCh37 (hg19) VCF-style: chr16-16267146-C-T.
Other names: c.2440G>A, p.Gly814Ser (NM_001351800.1); short protein forms G928S, G814S.
Identifiers: ClinVar variation 423872 (VCV000423872.8), dbSNP rs142470921, ClinGen allele CA7925796.

ClinVar aggregate classification (germline): Uncertain significance. Review status: criteria provided, multiple submitters, no conflicts (2 of 4 stars). 5 submissions from 5 submitters: Uncertain significance (5). Last evaluated 2026-08-06.

Conditions:
ABCC6-related disorder. Also called: ABCC6-related condition.
Arterial calcification, generalized, of infancy, 2. Identifiers: Orphanet 51608, MedGen C3276161, MONDO:0013768, OMIM 614473.
Autosomal recessive inherited pseudoxanthoma elasticum (PXE). Identifiers: Orphanet 758, MedGen CN032334, MONDO:0009925, OMIM 264800.
Pseudoxanthoma elasticum, forme fruste. Also called: Pseudoxanthoma Elasticum, Incomplete; PSEUDOXANTHOMA ELASTICUM, HETEROZYGOUS. Identifiers: Orphanet 758, MedGen C1867450, MONDO:0008333, OMIM 177850.

Allele frequency attached by ClinVar (database versions not stated): ExAC 0.00003; gnomAD exomes 0.00003; TOPMed 0.00006; ESP Exome Variant Server 0.00008; gnomAD 0.00009.
gnomAD v4.1: 76 of 1,613,716 alleles (0.0047%); highest among the groups gnomAD compares: African/African-American, 0.017%; no homozygotes.

Submissions (5):

PreventionGenetics, part of Exact Sciences
Classification: Uncertain significance for ABCC6-related condition. Last evaluated: 2026-08-06. Review status: criteria provided, single submitter. Criteria: ACMG Guidelines, 2015. Collection method: clinical testing. Allele origin: germline.
Comment: The ABCC6 c.2782G>A variant is predicted to result in the amino acid substitution p.Gly928Ser. To our knowledge, this variant has not been reported in the literature. This variant is present in 0.020% of alleles in individuals of African descent in gnomAD. At this time, the clinical significance of this variant is uncertain due to the absence of conclusive functional and genetic evidence.

Blueprint Genetics
Classification: Uncertain significance. Last evaluated: 2024-11-27. Review status: criteria provided, single submitter. Criteria: ACMG Guidelines, 2015. Collection method: clinical testing. Allele origin: germline.

Labcorp Genetics (formerly Invitae), Labcorp
Classification: Uncertain significance. Last evaluated: 2022-08-22. Review status: criteria provided, single submitter. Criteria: Invitae Variant Classification Sherloc (09022015). Collection method: clinical testing. Allele origin: germline.
Comment: This sequence change replaces glycine, which is neutral and non-polar, with serine, which is neutral and polar, at codon 928 of the ABCC6 protein (p.Gly928Ser). This variant is present in population databases (rs142470921, gnomAD 0.02%). This variant has not been reported in the literature in individuals affected with ABCC6-related conditions. ClinVar contains an entry for this variant (Variation ID: 423872). Advanced modeling of protein sequence and biophysical properties (such as structural, functional, and spatial information, amino acid conservation, physicochemical variation, residue mobility, and thermodynamic stability) performed at Invitae indicates that this missense variant is expected to disrupt ABCC6 protein function. In summary, the available evidence is currently insufficient to determine the role of this variant in disease. Therefore, it has been classified as a Variant of Uncertain Significance.

Fulgent Genetics
Classification: Uncertain significance for Pseudoxanthoma elasticum, forme fruste; Autosomal recessive inherited pseudoxanthoma elasticum; Arterial calcification, generalized, of infancy, 2. Last evaluated: 2022-05-18. Review status: criteria provided, single submitter. Criteria: ACMG Guidelines, 2015. Collection method: clinical testing. Allele origin: unknown.

GeneDx
Classification: Uncertain significance. Last evaluated: 2017-02-23. Review status: criteria provided, single submitter. Criteria: GeneDx Variant Classification (06012015). Collection method: clinical testing. Allele origin: germline. Affected: yes.
Comment: The G928S variant in the ABCC6 gene has not been reported previously as a pathogenic variant, nor as a benign variant, to our knowledge. The G928S variant is not observed at a significant frequency in large population cohorts (Lek et al., 2016; 1000 Genomes Consortium et al., 2015; Exome Variant Server). The G928S variant is a non-conservative amino acid substitution, which is likely to impact secondary protein structure as these residues differ in polarity, charge, size and/or other properties. This substitution occurs at a position that is conserved in mammals. In silico analysis predicts this variant is probably damaging to the protein structure/function. We interpret G928S as a variant of uncertain significance.